The following is an entry in ClinVar:

ClinVar aggregate classification (germline): Uncertain significance. Review status: criteria provided, multiple submitters, no conflicts (2 of 4 stars). 2 submissions from 2 submitters: Uncertain significance (2). Last evaluated 2024-03-25.

Conditions:
Inborn genetic diseases. Identifiers: MedGen C0950123, MeSH D030342.
Adams-Oliver syndrome 2 (AOS2). Identifiers: Orphanet 974, MedGen C3280182, MONDO:0013635, OMIM 614219.

gnomAD v4.1: 14 of 1,465,444 alleles (0.00096%); highest among the groups gnomAD compares: East Asian, 0.015%; no homozygotes.

Submissions (2):

Ambry Genetics
Classification: Uncertain significance for Inborn genetic diseases. Last evaluated: 2024-03-25. Review status: criteria provided, single submitter. Criteria: Ambry Variant Classification Scheme 2023. Collection method: clinical testing. Allele origin: germline.

Juno Genomics, Hangzhou Juno Genomics, Inc
Classification: Uncertain significance for Adams-Oliver syndrome 2. Review status: criteria provided, single submitter. Criteria: ACMG Guidelines, 2015. Collection method: clinical testing. Allele origin: germline. Affected: yes.
Comment: Absent from controls (or at extremely low frequency if recessive) in Genome Aggregation Database, Exome Sequencing Project, 1000 Genomes Project, or Exome Aggregation Consortium.;For recessive disorders, detected in trans with a pathogenic variant.

NM_020812.4(DOCK6):c.1505C>T (p.Pro502Leu)

Gene: DOCK6 (dedicator of cytokinesis 6; minus strand). Cytogenetic location: 19p13.2.
Variant type: single nucleotide variant.
Coding change: c.1505C>T on transcript NM_020812.4 (MANE Select); coding-DNA position 1505, C replaced by T.
Protein change: p.Pro502Leu; replaces proline 502 with leucine.
Molecular consequence: missense variant.
Genome position (GRCh38, 1-based): chr19:11,242,183, G>A on the plus strand (C>T on the coding strand, the complement: DOCK6 is on the minus strand). VCF-style: chr19-11242183-G-A. GRCh37 (hg19) VCF-style: chr19-11352859-G-A.
Other names: c.1505C>T, p.Pro502Leu (NM_001367830.1); short protein forms P502L.
Identifiers: ClinVar variation 3273389 (VCV003273389.3).